The following is an entry in ClinVar:

ClinVar aggregate classification (germline): Likely benign. Review status: criteria provided, multiple submitters, no conflicts (2 of 4 stars). 4 submissions from 4 submitters: Likely benign (3). 1 of the submissions does not count toward it. Last evaluated 2025-12-10.

Conditions:
EFL1-related disorder. Also called: EFL1-related condition.

Allele frequency attached by ClinVar (database versions not stated): gnomAD exomes 0.00005 and 0.00008; ExAC 0.00008; ESP Exome Variant Server 0.00033; gnomAD 0.00050 and 0.00053; TOPMed 0.00054; 1000 Genomes Project 0.00060; 1000 Genomes Project 30x 0.00062.
gnomAD v4.1: 151 of 1,614,066 alleles (0.0094%); highest among the groups gnomAD compares: African/African-American, 0.19%; no homozygotes.

Submissions (4):

Labcorp Genetics (formerly Invitae), Labcorp
Classification: Likely benign. Last evaluated: 2025-12-10. Review status: criteria provided, single submitter. Criteria: Invitae Variant Classification Sherloc (09022015). Collection method: clinical testing. Allele origin: germline.

Blueprint Genetics
Classification: Likely benign. Last evaluated: 2022-11-17. Review status: criteria provided, single submitter. Criteria: ACMG Guidelines, 2015. Collection method: clinical testing. Allele origin: germline.

Breakthrough Genomics
Classification: Likely benign. Review status: criteria provided, single submitter. Criteria: ACMG Guidelines, 2015. Collection method: not provided. Allele origin: germline. Inheritance: Autosomal recessive inheritance. Affected: yes.

PreventionGenetics, part of Exact Sciences
Classification: Likely benign for EFL1-related condition. Last evaluated: 2021-02-25. Review status: no assertion criteria provided. Collection method: clinical testing. Allele origin: germline. Not counted in ClinVar's aggregate classification.
Comment: This variant is classified as likely benign based on ACMG/AMP sequence variant interpretation guidelines (Richards et al. 2015 PMID: 25741868, with internal and published modifications).

NM_024580.6(EFL1):c.3117A>G (p.Glu1039=)

Gene: EFL1 (elongation factor like GTPase 1; minus strand). Cytogenetic location: 15q25.2.
Variant type: single nucleotide variant.
Coding change: c.3117A>G on transcript NM_024580.6 (MANE Select); coding-DNA position 3117, A replaced by G.
Protein change: p.Glu1039=; no amino-acid change (glutamic acid 1039 retained).
Molecular consequence: synonymous variant. On other transcripts: non-coding transcript variant (1).
Genome position (GRCh38, 1-based): chr15:82,138,715, T>C on the plus strand (A>G on the coding strand, the complement: EFL1 is on the minus strand). VCF-style: chr15-82138715-T-C. GRCh37 (hg19) VCF-style: chr15-82431056-T-C.
Other names: c.2964A>G, p.Glu988= (NM_001040610.3); c.2328A>G, p.Glu776= (NM_001322844.2); c.3117A>G, p.Glu1039= (NM_001322845.2); c.3117A>G (NM_024580.5).
Identifiers: ClinVar variation 1594477 (VCV001594477.12), dbSNP rs201517223, ClinGen allele CA7697629.